The following is an entry in ClinVar:

ClinVar aggregate classification (germline): Uncertain significance (1 of 4 stars; one submission).

Submission:

Labcorp Genetics (formerly Invitae), Labcorp
Classification: Uncertain significance. Last evaluated: 2022-07-06. Review status: criteria provided, single submitter. Criteria: Invitae Variant Classification Sherloc (09022015). Collection method: clinical testing. Allele origin: germline.
Comment: In summary, the available evidence is currently insufficient to determine the role of this variant in disease. Therefore, it has been classified as a Variant of Uncertain Significance. Experimental studies and prediction algorithms are not available or were not evaluated, and the functional significance of this variant is currently unknown. This variant has not been reported in the literature in individuals affected with CCDC8-related conditions. Information on the frequency of this variant in the gnomAD database is not available, as this variant may be reported differently in the database. This sequence change replaces proline, which is neutral and non-polar, with threonine, which is neutral and polar, at codon 88 of the CCDC8 protein (p.Pro88Thr).

NM_032040.5(CCDC8):c.261_262inv (p.Pro88Thr)

Gene: CCDC8 (coiled-coil domain containing 8 subunit of 3M complex; minus strand). Cytogenetic location: 19q13.32.
Variant type: Inversion.
Coding change: c.261_262inv on transcript NM_032040.5 (MANE Select).
Protein change: p.Pro88Thr; replaces proline 88 with threonine.
Molecular consequence: missense variant.
Genome position: GRCh38 VCF-style: chr19-46412549-GA-TC. GRCh37 (hg19) VCF-style: chr19-46915806-GA-TC.
Other names: short protein forms P88T.
Identifiers: ClinVar variation 2053702 (VCV002053702.4), ClinGen allele CA2580097426.